The following is an entry in ClinVar:

ClinVar aggregate classification (germline): Uncertain significance (1 of 4 stars; one submission).

Conditions:
Neuromuscular disease caused by qualitative or quantitative defects of dysferlin. Also called: Qualitative or quantitative defects of dysferlin; Dysferlinopathy. Identifiers: Orphanet 207073, MedGen C2931687, MONDO:0016145.

Allele frequency attached by ClinVar (database versions not stated): gnomAD exomes below 0.00001.
gnomAD v4.1: 1 of 1,614,182 alleles (0.000062%); highest among the groups gnomAD compares: Admixed American, 0.0017%; no homozygotes.

Submission:

Labcorp Genetics (formerly Invitae), Labcorp
Classification: Uncertain significance for Neuromuscular disease caused by qualitative or quantitative defects of dysferlin. Last evaluated: 2021-06-16. Review status: criteria provided, single submitter. Criteria: Invitae Variant Classification Sherloc (09022015). Collection method: clinical testing. Allele origin: germline.
Comment: This sequence change replaces glutamine with glutamic acid at codon 722 of the DYSF protein (p.Gln722Glu). The glutamine residue is moderately conserved and there is a small physicochemical difference between glutamine and glutamic acid. This variant is not present in population databases (ExAC no frequency). This variant has not been reported in the literature in individuals with DYSF-related conditions. Algorithms developed to predict the effect of missense changes on protein structure and function (SIFT, PolyPhen-2, Align-GVGD) all suggest that this variant is likely to be tolerated, but these predictions have not been confirmed by published functional studies and their clinical significance is uncertain. In summary, the available evidence is currently insufficient to determine the role of this variant in disease. Therefore, it has been classified as a Variant of Uncertain Significance.

NM_001130987.2(DYSF):c.2218C>G (p.Gln740Glu)

Gene: DYSF (dysferlin; plus strand). Cytogenetic location: 2p13.2.
Variant type: single nucleotide variant.
Coding change: c.2218C>G on transcript NM_001130987.2 (MANE Select); coding-DNA position 2218, C replaced by G.
Protein change: p.Gln740Glu; replaces glutamine 740 with glutamic acid.
Molecular consequence: missense variant.
Genome position (GRCh38, 1-based): chr2:71,561,753, C>G. VCF-style: chr2-71561753-C-G. GRCh37 (hg19) VCF-style: chr2-71788883-C-G.
Other names: c.2167C>G, p.Gln723Glu (NM_001130455.2, NM_001130983.2); c.2122C>G, p.Gln708Glu (NM_001130976.2, NM_001130977.2); c.2164C>G, p.Gln722Glu (NM_001130978.2, NM_003494.4); c.2257C>G, p.Gln753Glu (NM_001130979.2); c.2215C>G, p.Gln739Glu (NM_001130980.2, NM_001130981.2); c.2260C>G, p.Gln754Glu (NM_001130982.2); c.2125C>G, p.Gln709Glu (NM_001130984.2, NM_001130986.2); c.2218C>G, p.Gln740Glu (NM_001130985.2); short protein forms Q708E, Q709E, Q739E, Q754E, Q723E, Q753E, Q722E, Q740E.
Identifiers: ClinVar variation 1361739 (VCV001361739.8), dbSNP rs1380192355, ClinGen allele CA347208496.